The following is an entry in ClinVar:

ClinVar aggregate classification (germline): Uncertain significance (1 of 4 stars; one submission).

Conditions:
Hereditary spastic paraplegia 11. Also called: SPASTIC PARAPLEGIA, AUTOSOMAL RECESSIVE, COMPLICATED, WITH THIN CORPUS CALLOSUM; SPASTIC PARAPLEGIA, AUTOSOMAL RECESSIVE, WITH MENTAL IMPAIRMENT AND THIN CORPUS CALLOSUM; Spastic paraplegia, mental retardation and thin corpus callosum; Nakamura Osame syndrome; Autosomal recessive hereditary spastic paraplegia, mental impairment, and thin corpus callosum; Spastic Paraplegia 11. Identifiers: Orphanet 2822, MedGen C1858479, MONDO:0011445, OMIM 604360.

Submission:

Labcorp Genetics (formerly Invitae), Labcorp
Classification: Uncertain significance for Hereditary spastic paraplegia 11. Last evaluated: 2019-07-09. Review status: criteria provided, single submitter. Criteria: Invitae Variant Classification Sherloc (09022015). Collection method: clinical testing. Allele origin: germline.
Comment: In summary, the available evidence is currently insufficient to determine the role of this variant in disease. Therefore, it has been classified as a Variant of Uncertain Significance. Algorithms developed to predict the effect of missense changes on protein structure and function (SIFT, PolyPhen-2, Align-GVGD) all suggest that this variant is likely to be tolerated, but these predictions have not been confirmed by published functional studies and their clinical significance is uncertain. This variant has not been reported in the literature in individuals with SPG11-related conditions. This variant is not present in population databases (ExAC no frequency). This sequence change replaces asparagine with aspartic acid at codon 1198 of the SPG11 protein (p.Asn1198Asp). The asparagine residue is moderately conserved and there is a small physicochemical difference between asparagine and aspartic acid.

NM_025137.4(SPG11):c.3592A>G (p.Asn1198Asp)

Gene: SPG11 (SPG11 vesicle trafficking associated, spatacsin; minus strand). Cytogenetic location: 15q21.1.
Variant type: single nucleotide variant.
Coding change: c.3592A>G on transcript NM_025137.4 (MANE Select); coding-DNA position 3592, A replaced by G.
Protein change: p.Asn1198Asp; replaces asparagine 1198 with aspartic acid.
Molecular consequence: missense variant.
Genome position (GRCh38, 1-based): chr15:44,600,561, T>C on the plus strand (A>G on the coding strand, the complement: SPG11 is on the minus strand). VCF-style: chr15-44600561-T-C. GRCh37 (hg19) VCF-style: chr15-44892759-T-C.
Other names: c.3592A>G, p.Asn1198Asp (NM_001160227.2); short protein forms N1198D.
Identifiers: ClinVar variation 935801 (VCV000935801.9), dbSNP rs2083159214, ClinGen allele CA392231221.